The following is an entry in ClinVar:

ClinVar aggregate classification (germline): Pathogenic (1 of 4 stars; one submission).

Submission:

Labcorp Genetics (formerly Invitae), Labcorp
Classification: Pathogenic. Last evaluated: 2025-09-08. Review status: criteria provided, single submitter. Criteria: Invitae Variant Classification Sherloc (09022015). Collection method: clinical testing. Allele origin: germline.
Comment: This sequence change creates a premature translational stop signal (p.Tyr1020Cysfs*17) in the C5 gene. It is expected to result in an absent or disrupted protein product. Loss-of-function variants in C5 are known to be pathogenic (PMID: 7730648, 19414197, 27026170). This variant is not present in population databases (gnomAD no frequency). This variant has not been reported in the literature in individuals affected with C5-related conditions. ClinVar contains an entry for this variant (Variation ID: 2990559). For these reasons, this variant has been classified as Pathogenic.

Literature cited by the submitters: PubMed 7730648; PubMed 19414197; PubMed 27026170.

NM_001735.3(C5):c.3059_3060del (p.Tyr1020fs)

Gene: C5 (complement C5; minus strand). Cytogenetic location: 9q33.2.
Variant type: Deletion.
Coding change: c.3059_3060del on transcript NM_001735.3 (MANE Select); coding-DNA positions 3059 to 3060, 2 bases deleted (AT; older notation c.3059_3060delAT).
Protein change: p.Tyr1020fs; shifts the reading frame from tyrosine 1020.
Molecular consequence: frameshift variant.
Genome position (GRCh38, 1-based): chr9:120,989,662-120,989,663, AT deleted on the plus strand (AT on the coding strand, the reverse complement: C5 is on the minus strand); deleting any 2 consecutive bases within chr9:120,989,662-120,989,664 gives the same sequence; the c. name uses the placement nearest the transcript's 3' end. VCF-style (leftmost placement, unchanged base first): chr9-120989661-CAT-C. GRCh37 (hg19) VCF-style: chr9-123751939-CAT-C.
Other names: c.3077_3078del, p.Tyr1026fs (NM_001317163.2); short protein forms Y1020fs, Y1026fs.
Identifiers: ClinVar variation 2990559 (VCV002990559.3), dbSNP rs2540400714, ClinGen allele CA2579437879.
Genomic context (GRCh38, chr9:120,989,661, plus strand): 5'-CAATTAATGGGTCAGAATGAAAAATGTTCCAATGATTTCCTGTTTCCAGGTAGTGAAAAA[CAT>C]AGAATACTGGGACAACGCTCATCAGCTCCGCCTCTGCACTCCCTTTGGGGAGGTGGGTTA-3'